The following is an entry in ClinVar:

ClinVar aggregate classification (germline): Likely benign (1 of 4 stars; one submission).

Allele frequency attached by ClinVar (database versions not stated): gnomAD exomes below 0.00001; TOPMed below 0.00001.
gnomAD v4.1: 3 of 1,613,850 alleles (0.00019%); highest among the groups gnomAD compares: Non-Finnish European, 0.00025%; no homozygotes.

Submission:

GeneDx
Classification: Likely benign. Last evaluated: 2018-01-02. Review status: criteria provided, single submitter. Criteria: GeneDx Variant Classification (06012015). Collection method: clinical testing. Allele origin: germline. Affected: yes.
Comment: This variant is considered likely benign or benign based on one or more of the following criteria: it is a conservative change, it occurs at a poorly conserved position in the protein, it is predicted to be benign by multiple in silico algorithms, and/or has population frequency not consistent with disease.

NM_001267550.2(TTN):c.85039A>G (p.Ile28347Val)

Genes: TTN (titin; minus strand), TTN-AS1 (TTN antisense RNA 1; plus strand). Cytogenetic location: 2q31.2.
Variant type: single nucleotide variant.
Coding change: c.85039A>G on transcript NM_001267550.2 (MANE Select); coding-DNA position 85039, A replaced by G.
Protein change: p.Ile28347Val; replaces isoleucine 28347 with valine.
Molecular consequence: missense variant.
Genome position (GRCh38, 1-based): chr2:178,561,093, T>C on the plus strand (A>G on the coding strand, the complement: TTN is on the minus strand). VCF-style: chr2-178561093-T-C. GRCh37 (hg19) VCF-style: chr2-179425820-T-C.
Other names: c.80116A>G, p.Ile26706Val (NM_001256850.1); c.57844A>G, p.Ile19282Val (NM_003319.4); c.77335A>G, p.Ile25779Val (NM_133378.4); c.58219A>G, p.Ile19407Val (NM_133432.3); c.58420A>G, p.Ile19474Val (NM_133437.4); short protein forms I26706V, I28347V, I19474V, I25779V, I19282V, I19407V.
Identifiers: ClinVar variation 514476 (VCV000514476.1), dbSNP rs1553563774, ClinGen allele CA349556043.